The following is an entry in ClinVar:

NM_000548.5(TSC2):c.2975A>G (p.Gln992Arg)

Gene: TSC2 (TSC complex subunit 2; plus strand). Cytogenetic location: 16p13.3.
Variant type: single nucleotide variant.
Coding change: c.2975A>G on transcript NM_000548.5 (MANE Select); coding-DNA position 2975, A replaced by G.
Protein change: p.Gln992Arg; replaces glutamine 992 with arginine.
Molecular consequence: missense variant.
Genome position (GRCh38, 1-based): chr16:2,079,040, A>G. VCF-style: chr16-2079040-A-G. GRCh37 (hg19) VCF-style: chr16-2129041-A-G.
Other names: c.2843A>G, p.Gln948Arg (NM_001077183.3, NM_001370404.1, NM_001406665.1); c.2975A>G, p.Gln992Arg (NM_001114382.3); c.2735A>G, p.Gln912Arg (NM_001318827.2); c.2699A>G, p.Gln900Arg (NM_001318829.2); c.2243A>G, p.Gln748Arg (NM_001318831.2, NM_001406687.1, NM_001406688.1); c.2876A>G, p.Gln959Arg (NM_001318832.2); c.2846A>G, p.Gln949Arg (NM_001363528.2, NM_001370405.1, NM_021055.3); c.2972A>G, p.Gln991Arg (NM_001406663.1, NM_001406664.1); and 18 more; short protein forms Q501R, Q943R, Q978R, Q544R, Q748R, Q792R, Q900R, Q912R.
Identifiers: ClinVar variation 1908418 (VCV001908418.6), dbSNP rs2089787414, ClinGen allele CA394283522.
Genomic context (GRCh38, chr16:2,079,040, plus strand): 5'-CTCGGCCCGCCCTACCTGGCACCCTGACCCTGGTCACGGCCTCTCCCTCCAGCAGGATAC[A>G]GACGTCCCTCACCAGTGCCAGCTTGGGGTCTGCAGATGAGAACTCCGTGGCCCAGGCTGA-3'
Protein context (NP_000539.2, residues 982-1002): VSEHVVRSRI[Gln992Arg]TSLTSASLGS

ClinVar aggregate classification (germline): Uncertain significance. Review status: criteria provided, multiple submitters, no conflicts (2 of 4 stars). 2 submissions from 2 submitters: Uncertain significance (2). Last evaluated 2025-05-31.

Conditions:
Hereditary cancer-predisposing syndrome. Also called: Tumor predisposition; Neoplastic Syndromes, Hereditary; Hereditary neoplastic syndrome; Hereditary Cancer Syndrome. Identifiers: Orphanet 140162, MedGen C0027672, MeSH D009386, MONDO:0015356.
Tuberous sclerosis 2 (TSC2). Identifiers: Orphanet 805, MedGen C1860707, MONDO:0013199, OMIM 613254.

Allele frequency attached by ClinVar (database versions not stated): TOPMed below 0.00001.

Submissions (2):

Ambry Genetics
Classification: Uncertain significance for Hereditary cancer-predisposing syndrome. Last evaluated: 2025-05-31. Review status: criteria provided, single submitter. Criteria: Ambry Variant Classification Scheme 2023. Collection method: clinical testing. Allele origin: germline.
Comment: The p.Q992R variant (also known as c.2975A>G), located in coding exon 26 of the TSC2 gene, results from an A to G substitution at nucleotide position 2975. The glutamine at codon 992 is replaced by arginine, an amino acid with highly similar properties. This amino acid position is conserved. In addition, this alteration is predicted to be deleterious by in silico analysis. Based on the available evidence, the clinical significance of this variant remains unclear.

Labcorp Genetics (formerly Invitae), Labcorp
Classification: Uncertain significance for Tuberous sclerosis 2. Last evaluated: 2023-04-25. Review status: criteria provided, single submitter. Criteria: Invitae Variant Classification Sherloc (09022015). Collection method: clinical testing. Allele origin: germline.
Comment: In summary, the available evidence is currently insufficient to determine the role of this variant in disease. Therefore, it has been classified as a Variant of Uncertain Significance. Advanced modeling of protein sequence and biophysical properties (such as structural, functional, and spatial information, amino acid conservation, physicochemical variation, residue mobility, and thermodynamic stability) performed at Invitae indicates that this missense variant is not expected to disrupt TSC2 protein function. ClinVar contains an entry for this variant (Variation ID: 1908418). This variant has not been reported in the literature in individuals affected with TSC2-related conditions. This variant is not present in population databases (gnomAD no frequency). This sequence change replaces glutamine, which is neutral and polar, with arginine, which is basic and polar, at codon 992 of the TSC2 protein (p.Gln992Arg).